The following is an entry in ClinVar:

NM_025219.3(DNAJC5):c.108G>C (p.Arg36=)

Gene: DNAJC5 (DnaJ heat shock protein family (Hsp40) member C5; plus strand). Cytogenetic location: 20q13.33.
Variant type: single nucleotide variant.
Coding change: c.108G>C on transcript NM_025219.3 (MANE Select); coding-DNA position 108, G replaced by C.
Protein change: p.Arg36=; no amino-acid change (arginine 36 retained).
Molecular consequence: synonymous variant.
Genome position (GRCh38, 1-based): chr20:63,929,312, G>C. VCF-style: chr20-63929312-G-C. GRCh37 (hg19) VCF-style: chr20-62560665-G-C.
Identifiers: ClinVar variation 1488110 (VCV001488110.6), dbSNP rs774703054, ClinGen allele CA9969651.

ClinVar aggregate classification (germline): Uncertain significance (1 of 4 stars; one submission).

Conditions:
Neuronal ceroid lipofuscinosis. Also called: Neuronal Ceroid Lipofuscinoses. Identifiers: Orphanet 216, Orphanet 79263, MedGen C0027877, MONDO:0016295. Disease mechanism: loss of function.

Allele frequency attached by ClinVar (database versions not stated): gnomAD exomes below 0.00001; ExAC 0.00001; gnomAD 0.00001; TOPMed 0.00001.
gnomAD v4.1: 1 of 1,613,408 alleles (0.000062%); highest among the groups gnomAD compares: African/African-American, 0.0013%; no homozygotes.

Submission:

Labcorp Genetics (formerly Invitae), Labcorp
Classification: Uncertain significance for Neuronal ceroid lipofuscinosis. Last evaluated: 2026-01-05. Review status: criteria provided, single submitter. Criteria: Invitae Variant Classification Sherloc (09022015). Collection method: clinical testing. Allele origin: germline.
Comment: This sequence change affects codon 36 of the DNAJC5 mRNA. It is a 'silent' change, meaning that it does not change the encoded amino acid sequence of the DNAJC5 protein. It affects a nucleotide within the consensus splice site. The frequency data for this variant in the population databases is considered unreliable, as metrics indicate poor data quality at this position in the gnomAD database. This variant has not been reported in the literature in individuals affected with DNAJC5-related conditions. ClinVar contains an entry for this variant (Variation ID: 1488110). Algorithms developed to predict the effect of sequence changes on RNA splicing suggest that this variant is not likely to affect RNA splicing. In summary, the available evidence is currently insufficient to determine the role of this variant in disease. Therefore, it has been classified as a Variant of Uncertain Significance.